The following is an entry in ClinVar:

ClinVar aggregate classification (germline): Conflicting classifications of pathogenicity. Review status: criteria provided, conflicting classifications (1 of 4 stars). 3 submissions from 3 submitters: Uncertain significance (2); Likely benign (1). Last evaluated 2025-10-29.

Conditions:
Inborn genetic diseases. Identifiers: MedGen C0950123, MeSH D030342.

Allele frequency attached by ClinVar (database versions not stated): gnomAD 0.00001.
gnomAD v4.1: 3 of 1,612,750 alleles (0.00019%); highest among the groups gnomAD compares: African/African-American, 0.0013%; no homozygotes.

Submissions (3):

Ambry Genetics
Classification: Likely benign for Inborn genetic diseases. Last evaluated: 2025-10-29. Review status: criteria provided, single submitter. Criteria: Ambry Variant Classification Scheme 2023. Collection method: clinical testing. Allele origin: germline.

GeneDx
Classification: Uncertain significance. Last evaluated: 2022-10-14. Review status: criteria provided, single submitter. Criteria: GeneDx Variant Classification Process June 2021. Collection method: clinical testing. Allele origin: germline. Affected: yes.
Comment: Not observed at significant frequency in large population cohorts (gnomAD); In silico analysis supports that this missense variant does not alter protein structure/function; Has not been previously published as pathogenic or benign to our knowledge

Labcorp Genetics (formerly Invitae), Labcorp
Classification: Uncertain significance. Last evaluated: 2021-10-29. Review status: criteria provided, single submitter. Criteria: Invitae Variant Classification Sherloc (09022015). Collection method: clinical testing. Allele origin: germline.
Comment: This sequence change replaces glycine, which is neutral and non-polar, with glutamic acid, which is acidic and polar, at codon 1334 of the COL11A2 protein (p.Gly1334Glu). This variant is not present in population databases (gnomAD no frequency). This variant has not been reported in the literature in individuals affected with COL11A2-related conditions. Advanced modeling of protein sequence and biophysical properties (such as structural, functional, and spatial information, amino acid conservation, physicochemical variation, residue mobility, and thermodynamic stability) performed at Invitae indicates that this missense variant is not expected to disrupt COL11A2 protein function. In summary, the available evidence is currently insufficient to determine the role of this variant in disease. Therefore, it has been classified as a Variant of Uncertain Significance.

NM_080680.3(COL11A2):c.4001G>A (p.Gly1334Glu)

Gene: COL11A2 (collagen type XI alpha 2 chain; minus strand). Cytogenetic location: 6p21.32.
Variant type: single nucleotide variant.
Coding change: c.4001G>A on transcript NM_080680.3 (MANE Select); coding-DNA position 4001, G replaced by A.
Protein change: p.Gly1334Glu; replaces glycine 1334 with glutamic acid.
Molecular consequence: missense variant.
Genome position (GRCh38, 1-based): chr6:33,167,812, C>T on the plus strand (G>A on the coding strand, the complement: COL11A2 is on the minus strand). VCF-style: chr6-33167812-C-T. GRCh37 (hg19) VCF-style: chr6-33135589-C-T.
Other names: c.3680G>A, p.Gly1227Glu (NM_080679.3); c.3743G>A, p.Gly1248Glu (NM_080681.3); c.4001G>A (NM_080680.2); short protein forms G1334E, G1227E, G1248E.
Identifiers: ClinVar variation 1348207 (VCV001348207.5), dbSNP rs200078912, ClinGen allele CA137063137.